The following is an entry in ClinVar:

ClinVar aggregate classification (germline): Benign (1 of 4 stars; one submission).

Allele frequency attached by ClinVar (database versions not stated): 1000 Genomes Project 0.01298; 1000 Genomes Project 30x 0.01421; ExAC 0.01668; gnomAD 0.02041; ESP Exome Variant Server 0.02382; TOPMed 0.02418.

Submission:

CeGaT Center for Human Genetics Tuebingen
Classification: Benign. Last evaluated: 2024-02-01. Review status: criteria provided, single submitter. Criteria: CeGaT Center For Human Genetics Tuebingen Variant Classification Criteria Version 2. Collection method: clinical testing. Allele origin: germline. Affected: yes. Observed: 1 variant allele.
Comment: NOTCH4: BP4, BP7, BS1, BS2

NM_004557.4(NOTCH4):c.4101G>A (p.Thr1367=)

Gene: NOTCH4 (notch receptor 4; minus strand). Cytogenetic location: 6p21.32.
Variant type: single nucleotide variant.
Coding change: c.4101G>A on transcript NM_004557.4 (MANE Select); coding-DNA position 4101, G replaced by A.
Protein change: p.Thr1367=; no amino-acid change (threonine 1367 retained).
Molecular consequence: synonymous variant. On other transcripts: non-coding transcript variant (2).
Genome position (GRCh38, 1-based): chr6:32,201,155, C>T on the plus strand (G>A on the coding strand, the complement: NOTCH4 is on the minus strand). VCF-style: chr6-32201155-C-T. GRCh37 (hg19) VCF-style: chr6-32168932-C-T.
Identifiers: ClinVar variation 3024750 (VCV003024750.22), dbSNP rs204987, ClinGen allele CA3739337.